The following is an entry in ClinVar:

NM_181486.4(TBX5):c.77C>T (p.Ser26Leu)

Gene: TBX5 (T-box transcription factor 5; minus strand). Cytogenetic location: 12q24.21.
Variant type: single nucleotide variant.
Coding change: c.77C>T on transcript NM_181486.4 (MANE Select); coding-DNA position 77, C replaced by T.
Protein change: p.Ser26Leu; replaces serine 26 with leucine.
Molecular consequence: missense variant. On other transcripts: intron variant (1).
Genome position (GRCh38, 1-based): chr12:114,403,822, G>A on the plus strand (C>T on the coding strand, the complement: TBX5 is on the minus strand). VCF-style: chr12-114403822-G-A. GRCh37 (hg19) VCF-style: chr12-114841627-G-A.
Other names: c.77C>T, p.Ser26Leu (NM_000192.3); c.-3-1902C>T (NM_080717.4); short protein forms S26L.
Identifiers: ClinVar variation 426901 (VCV000426901.5), dbSNP rs1085307848, ClinGen allele CA386863551.

ClinVar aggregate classification (germline): Conflicting classifications of pathogenicity. Review status: criteria provided, conflicting classifications (1 of 4 stars). 4 submissions from 4 submitters: Uncertain significance (2); Likely benign (1). 1 of the submissions does not count toward it. Last evaluated 2026-05-15.

Conditions:
Cardiovascular phenotype. Identifiers: MedGen CN230736.
TBX5-related disorder. Also called: TBX5-related condition.
Holt-Oram syndrome (HOS). Also called: Ventriculo-radial syndrome; Cardiac-limb syndrome; Heart-hand syndrome, type 1; TBX5-Related Holt-Oram Syndrome. Identifiers: Orphanet 392, MedGen C0265264, MONDO:0007732, OMIM 142900.

Allele frequency attached by ClinVar (database versions not stated): gnomAD 0.00004 and 0.00003; gnomAD exomes below 0.00001 and 0.00001; TOPMed 0.00002.
gnomAD v4.1: 11 of 1,613,972 alleles (0.00068%); highest among the groups gnomAD compares: East Asian, 0.025%; no homozygotes.

Submissions (4):

Ambry Genetics
Classification: Likely benign for Cardiovascular phenotype. Last evaluated: 2026-05-15. Review status: criteria provided, single submitter. Criteria: Ambry Variant Classification Scheme 2023. Collection method: clinical testing. Allele origin: germline.

Fulgent Genetics
Classification: Uncertain significance for Holt-Oram syndrome. Last evaluated: 2021-10-01. Review status: criteria provided, single submitter. Criteria: ACMG Guidelines, 2015. Collection method: clinical testing. Allele origin: unknown.

GeneDx
Classification: Uncertain significance. Last evaluated: 2017-03-28. Review status: criteria provided, single submitter. Criteria: GeneDx Variant Classification (06012015). Collection method: clinical testing. Allele origin: germline. Affected: yes.
Comment: The S26L variant has not been published as a pathogenic variant, nor has it been reported as a benign variant to our knowledge. The S26L variant is not observed in large population cohorts (Lek et al., 2016; 1000 Genomes Consortium et al., 2015; Exome Variant Server). The S26L variant is a non-conservative amino acid substitution, which is likely to impact secondary protein structure as these residues differ in polarity, charge, size and/or other properties. This substitution occurs at a position that is not conserved, and in silico analysis is inconsistent in its predictions as to whether or not the variant is damaging to the protein structure/function. In summary, based on the currently available information, it is unclear whether this variant is pathogenic or a rare benign variant.

PreventionGenetics, part of Exact Sciences
Classification: Uncertain significance for TBX5-related condition. Last evaluated: 2024-07-03. Review status: no assertion criteria provided. Collection method: clinical testing. Allele origin: germline. Not counted in ClinVar's aggregate classification.
Comment: The TBX5 c.77C>T variant is predicted to result in the amino acid substitution p.Ser26Leu. To our knowledge, this variant has not been reported in the literature. This variant is reported in 0.030% of alleles in individuals of East Asian descent in gnomAD. Although we suspect that this variant may be benign, at this time, the clinical significance of this variant is uncertain due to the absence of conclusive functional and genetic evidence.